The following is an entry in ClinVar:

NM_001323289.2(CDKL5):c.587C>T (p.Ser196Leu)

Gene: CDKL5 (cyclin dependent kinase like 5; plus strand). Cytogenetic location: Xp22.13.
Variant type: single nucleotide variant.
Coding change: c.587C>T on transcript NM_001323289.2 (MANE Select); coding-DNA position 587, C replaced by T.
Protein change: p.Ser196Leu; replaces serine 196 with leucine.
Molecular consequence: missense variant.
Genome position (GRCh38, 1-based): chrX:18,587,986, C>T. VCF-style: chrX-18587986-C-T. GRCh37 (hg19) VCF-style: chrX-18606106-C-T.
Other names: NM_001323289.2(CDKL5):c.587C>T; p.Ser196Leu; c.587C>T, p.Ser196Leu (NM_001037343.2, NM_003159.3); short protein forms S196L.
Identifiers: ClinVar variation 143827 (VCV000143827.26), dbSNP rs267608501, ClinGen allele CA171650.

ClinVar aggregate classification (germline): Pathogenic/Likely pathogenic. Review status: criteria provided, multiple submitters, no conflicts (2 of 4 stars). 13 submissions from 13 submitters: Pathogenic (8); Likely pathogenic (1). 4 of the submissions do not count toward it. Last evaluated 2025-03-20.

Conditions:
CDKL5 disorder. Identifiers: MedGen CN296942, MONDO:0100039.
Developmental and epileptic encephalopathy, 2 (DEE2). Also called: INFANTILE SPASM SYNDROME, X-LINKED 2; CDKL5 deficiency disorder. Identifiers: Orphanet 1934, Orphanet 3451, Orphanet 505652, MedGen C4750718, MONDO:0010396, OMIM 300672.
Angelman syndrome-like. Identifiers: MedGen CN128785.
Epileptic encephalopathy. Identifiers: MedGen C0543888, HP:0200134.

Submissions (13):

3billion
Classification: Pathogenic for Developmental and epileptic encephalopathy, 2. Last evaluated: 2025-03-20. Review status: criteria provided, single submitter. Criteria: ACMG Guidelines, 2015. Collection method: clinical testing. Allele origin: germline. Affected: yes.
Comment: The variant is not observed in the gnomAD v4.1.0 dataset. Predicted Consequence/Location: Missense variant In silico tool predictions suggest damaging effect of the variant on gene or gene product [REVEL: 0.69 (>=0.6, sensitivity 0.68 and specificity 0.92); 3Cnet: 0.93 (> 0.75, sensitivity 0.96 and precision 0.92)]. The same nucleotide change resulting in the same amino acid change has been previously reported as pathogenic/likely pathogenic with strong evidence (ClinVar ID: VCV000143827 / PMID: 20397747). The variant has been observed in multiple (>3) similarly affected unrelated individuals (PMID: 22872100, 31791873). The variant has been previously reported as assumed (i.e. paternity and maternity not confirmed) de novo in at least one similarly affected unrelated individual (PMID: 20397747). Therefore, this variant is classified as Pathogenic according to the recommendation of ACMG/AMP guideline.

Centre for Population Genomics, CPG
Classification: Pathogenic for CDKL5 disorder. Last evaluated: 2024-09-05. Review status: criteria provided, single submitter. Criteria: McKnight et al. (Hum Mutat. 2022). Collection method: curation. Allele origin: germline. Inheritance: X-linked inheritance.
Comment: This variant has been collected from RettBASE and curated to current modified ACMG/AMP criteria. Based on the classification scheme defined by the ClinGen Rett/Angelman-like Expert Panel for Rett/AS-like Disorders Specifications to the ACMG/AMP Variant Interpretation Guidelines VCEP 3.0, this variant is classified as pathogenic. At least the following criteria are met: This variant has been identified as a de novo occurrence in at least 2 individuals with CDKL5 disorder, without confirmation of paternity and maternity (PM6_Strong, PMID: 20397747, PMID: 33436160, ClinVar Variation ID: 143827). Has been observed in at least 5 individuals with phenotypes consistent with CDKL5 disorder (PS4, PMID: 31791873, 31791873, ClinVar Variation ID: 143827). This variant is absent from gnomAD (PM2_Supporting).

Labcorp Genetics (formerly Invitae), Labcorp
Classification: Pathogenic for Developmental and epileptic encephalopathy, 2; Angelman syndrome-like. Last evaluated: 2023-12-27. Review status: criteria provided, single submitter. Criteria: Invitae Variant Classification Sherloc (09022015). Collection method: clinical testing. Allele origin: germline.
Comment: This sequence change replaces serine, which is neutral and polar, with leucine, which is neutral and non-polar, at codon 196 of the CDKL5 protein (p.Ser196Leu). This variant is not present in population databases (gnomAD no frequency). This missense change has been observed in individual(s) with epileptic encephalopathy (PMID: 20397747; Invitae). In at least one individual the variant was observed to be de novo. ClinVar contains an entry for this variant (Variation ID: 143827). Advanced modeling of protein sequence and biophysical properties (such as structural, functional, and spatial information, amino acid conservation, physicochemical variation, residue mobility, and thermodynamic stability) performed at Invitae indicates that this missense variant is expected to disrupt CDKL5 protein function with a positive predictive value of 95%. For these reasons, this variant has been classified as Pathogenic.

GeneDx
Classification: Pathogenic. Last evaluated: 2023-01-19. Review status: criteria provided, single submitter. Criteria: GeneDx Variant Classification Process June 2021. Collection method: clinical testing. Allele origin: germline. Affected: yes.
Comment: In silico analysis supports that this missense variant has a deleterious effect on protein structure/function; Not observed at significant frequency in large population cohorts (gnomAD); This variant is associated with the following publications: (PMID: 22872100, 22670135, 35153983, 22779007, 20397747, 25657822, 22264704, 31791873, 34489640, 33436160, 33047306)

Broad Center for Mendelian Genomics, Broad Institute of MIT and Harvard
Classification: Likely pathogenic for Developmental and epileptic encephalopathy, 2. Last evaluated: 2022-05-04. Review status: criteria provided, single submitter. Criteria: ACMG Guidelines, 2015. Collection method: curation. Allele origin: germline. Inheritance: X-linked inheritance.
Comment: Trio exome analysis showed this variant to be de novo, and this variant is also assumed de novo in 3 individuals in the literature, but maternity and paternity have not been confirmed (PMID: 20397747, 33436160). The variant has been reported in at least 8 individuals of unknown ethnicity with early infantile epileptic encephalopathy 2 (PMID: 20397747, 31791873, 22872100, 22264704, 33436160, 24375629), but was absent from large population studies. This variant has also been reported in ClinVar (Variation ID: 143827) as pathogenic by Genetic Services Laboratory, University of Chicago, Neurogenetics Laboratory - MEYER, AOU Meyer, and Center for Pediatric Genomic Medicine, Children's Mercy Hospital and Clinics, and as likely pathogenic by Invitae and RettBASE. Computational prediction tools and conservation analyses do not provide strong support for or against an impact to the protein. In summary, although additional studies are required to fully establish its clinical significance, this variant is likely pathogenic. ACMG/AMP Criteria applied: PS2, PS4_moderate, PM2 (Richards 2015).

Institute of Human Genetics, University of Leipzig Medical Center
Classification: Pathogenic for Developmental and epileptic encephalopathy, 2. Last evaluated: 2017-03-14. Review status: criteria provided, single submitter. Criteria: ACMG Guidelines, 2015. Collection method: clinical testing. Allele origin: germline. Affected: yes. Observed: 1 variant allele.

Neurogenetics Laboratory - MEYER, AOU Meyer
Classification: Pathogenic for Epileptic encephalopathy. Last evaluated: 2016-11-16. Review status: criteria provided, single submitter. Criteria: ACMG Guidelines, 2015. Collection method: clinical testing. Allele origin: de novo. Affected: yes. Observed: 1 heterozygote.

Center for Pediatric Genomic Medicine, Children's Mercy Hospital and Clinics
Classification: Pathogenic. Last evaluated: 2016-09-15. Review status: criteria provided, single submitter. Criteria: ACMG Guidelines, 2015. Collection method: clinical testing. Allele origin: de novo.

Genetic Services Laboratory, University of Chicago
Classification: Pathogenic for Epileptic encephalopathy, early infantile, 2. Last evaluated: 2013-02-08. Review status: criteria provided, single submitter. Criteria: ACMG Guidelines, 2007. Collection method: clinical testing. Allele origin: germline. Inheritance: X-linked inheritance. Affected: yes.

RettBASE
Classification: Likely pathogenic for Epileptic encephalopathy, early infantile, 2. Last evaluated: 2014-03-13. Review status: no assertion criteria provided. Collection method: curation. Allele origin: de novo. Affected: yes. Observed: 1 variant allele. Not counted in ClinVar's aggregate classification.
Comment: In silico prediction: SIFT = deleterious, MutationTaster = disease-causing, PolyPhen2 = probably damaging, AlignGVGD = pathogenic (C65)

Genome Diagnostics Laboratory, University Medical Center Utrecht
Classification: Pathogenic. Review status: no assertion criteria provided. Collection method: clinical testing. Allele origin: germline. Affected: yes. Study: VKGL Data-share Consensus. Not counted in ClinVar's aggregate classification.

Joint Genome Diagnostic Labs from Nijmegen and Maastricht, Radboudumc and MUMC+
Classification: Pathogenic. Review status: no assertion criteria provided. Collection method: clinical testing. Allele origin: germline. Affected: yes. Study: VKGL Data-share Consensus. Not counted in ClinVar's aggregate classification.

Laboratory of Diagnostic Genome Analysis, Leiden University Medical Center (LUMC)
Classification: Pathogenic. Review status: no assertion criteria provided. Collection method: clinical testing. Allele origin: germline. Affected: yes. Study: VKGL Data-share Consensus. Not counted in ClinVar's aggregate classification.

Literature cited by the submitters: PubMed 22872100 (cited by 3billion); PubMed 20397747 (cited by 3 submitters); PubMed 31791873 (cited by 3billion).